The following is an entry in ClinVar:

ClinVar aggregate classification (germline): Uncertain significance (1 of 4 stars; one submission).

Conditions:
Neurodevelopmental disorder with or without variable brain abnormalities; NEDBA. Also called: NEURODEVELOPMENTAL DISORDER WITH OR WITHOUT VARIABLE BRAIN ABNORMALITIES. Identifiers: MedGen C5193102, MONDO:0032755, OMIM 618443.

Submission:

Juno Genomics, Hangzhou Juno Genomics, Inc
Classification: Uncertain significance for Neurodevelopmental disorder with or without variable brain abnormalities; NEDBA. Review status: criteria provided, single submitter. Criteria: ACMG Guidelines, 2015. Collection method: clinical testing. Allele origin: germline.
Comment: Absent from controls (or at extremely low frequency if recessive) in Genome Aggregation Database.

NM_001318852.2(MAPK8IP3):c.1621G>T (p.Glu541Ter)

Gene: MAPK8IP3 (mitogen-activated protein kinase 8 interacting protein 3; plus strand). Cytogenetic location: 16p13.3.
Variant type: single nucleotide variant.
Coding change: c.1621G>T on transcript NM_001318852.2 (MANE Select); coding-DNA position 1621, G replaced by T.
Protein change: p.Glu541Ter; replaces glutamic acid 541 with a stop codon.
Molecular consequence: nonsense.
Genome position (GRCh38, 1-based): chr16:1,762,432, G>T. VCF-style: chr16-1762432-G-T. GRCh37 (hg19) VCF-style: chr16-1812433-G-T.
Other names: c.1600G>T, p.Glu534Ter (NM_001040439.2); c.1618G>T, p.Glu540Ter (NM_015133.5); short protein forms E534*, E541*, E540*.
Identifiers: ClinVar variation 5005514 (VCV005005514.2).